The following is an entry in ClinVar:

ClinVar aggregate classification (germline): Uncertain significance (1 of 4 stars; one submission).

Conditions:
Dilated cardiomyopathy 1W (CMD1W). Identifiers: Orphanet 154, MedGen C1969639, MONDO:0012667, OMIM 611407.

Submission:

Labcorp Genetics (formerly Invitae), Labcorp
Classification: Uncertain significance for Dilated cardiomyopathy 1W. Last evaluated: 2024-01-24. Review status: criteria provided, single submitter. Criteria: Invitae Variant Classification Sherloc (09022015). Collection method: clinical testing. Allele origin: germline.
Comment: This sequence change replaces threonine, which is neutral and polar, with lysine, which is basic and polar, at codon 667 of the VCL protein (p.Thr667Lys). This variant is not present in population databases (gnomAD no frequency). This variant has not been reported in the literature in individuals affected with VCL-related conditions. An algorithm developed to predict the effect of missense changes on protein structure and function (PolyPhen-2) suggests that this variant is likely to be tolerated. In summary, the available evidence is currently insufficient to determine the role of this variant in disease. Therefore, it has been classified as a Variant of Uncertain Significance.

NM_014000.3(VCL):c.2000C>A (p.Thr667Lys)

Gene: VCL (vinculin; plus strand). Cytogenetic location: 10q22.2.
Variant type: single nucleotide variant.
Coding change: c.2000C>A on transcript NM_014000.3 (MANE Select); coding-DNA position 2000, C replaced by A.
Protein change: p.Thr667Lys; replaces threonine 667 with lysine.
Molecular consequence: missense variant.
Genome position (GRCh38, 1-based): chr10:74,101,075, C>A. VCF-style: chr10-74101075-C-A. GRCh37 (hg19) VCF-style: chr10-75860833-C-A.
Other names: c.2000C>A, p.Thr667Lys (NM_003373.4); short protein forms T667K.
Identifiers: ClinVar variation 2857546 (VCV002857546.3), dbSNP rs794729187, ClinGen allele CA377260888.